The following is an entry in ClinVar:

NM_022051.3(EGLN1):c.372_392del (p.Ser125_Ala131del)

Gene: EGLN1 (egl-9 family hypoxia inducible factor 1; minus strand). Cytogenetic location: 1q42.2.
Variant type: Deletion.
Coding change: c.372_392del on transcript NM_022051.3 (MANE Select); coding-DNA positions 372 to 392, 21 bases deleted (GTCGCCGTGTCGTGCGGCCGC).
Protein change: p.Ser125_Ala131del.
Molecular consequence: inframe deletion.
Genome position (GRCh38, 1-based): chr1:231,421,497-231,421,517, GCGGCCGCACGACACGGCGAC deleted on the plus strand (GTCGCCGTGTCGTGCGGCCGC on the coding strand, the reverse complement: EGLN1 is on the minus strand); deleting any 21 consecutive bases within chr1:231,421,497-231,421,525 gives the same sequence; the c. name uses the placement nearest the transcript's 3' end. VCF-style (leftmost placement, unchanged base first): chr1-231421496-GGCGGCCGCACGACACGGCGAC-G. GRCh37 (hg19) VCF-style: chr1-231557242-GGCGGCCGCACGACACGGCGAC-G.
Other names: c.372_392del, p.Ser125_Ala131del (NM_001377260.1, NM_001377261.1); c.372_392del21 (NM_022051.2).
Identifiers: ClinVar variation 695840 (VCV000695840.14), dbSNP rs1448568741, ClinGen allele CA529916756.
Genomic context (GRCh38, chr1:231,421,496, plus strand): 5'-GGCCGGCGGCTCCTCCTTGCCGGGCTCGGCTTCGGCAGCCACCGCCGAGCCCTGGCCGCC[GGCGGCCGCACGACACGGCGAC>G]GCGGCCGCCGCTGGGTCGGCCGGGGGCTTGGCCTTTACTTTTCCCTTGGCCGCGTCCCCG-3'

ClinVar aggregate classification (germline): Likely benign. Review status: criteria provided, multiple submitters, no conflicts (2 of 4 stars). 4 submissions from 4 submitters: Likely benign (3). 1 of the submissions does not count toward it. Last evaluated 2026-01-31.

Conditions:
Erythrocytosis, familial, 3 (ECYT3). Identifiers: Orphanet 247511, MedGen C1853286, MONDO:0012353, OMIM 609820.
EGLN1-related disorder. Also called: EGLN1-related condition.

Submissions (4):

Labcorp Genetics (formerly Invitae), Labcorp
Classification: Likely benign for Erythrocytosis, familial, 3. Last evaluated: 2026-01-31. Review status: criteria provided, single submitter. Criteria: Invitae Variant Classification Sherloc (09022015). Collection method: clinical testing. Allele origin: germline.

Ambry Genetics
Classification: Likely benign. Last evaluated: 2025-06-17. Review status: criteria provided, single submitter. Criteria: Ambry Variant Classification Scheme 2023. Collection method: clinical testing. Allele origin: germline.

ARUP Laboratories, Molecular Genetics and Genomics, ARUP Laboratories
Classification: Likely benign. Last evaluated: 2025-04-17. Review status: criteria provided, single submitter. Criteria: ARUP Molecular Germline Variant Investigation Process 2024. Collection method: clinical testing. Allele origin: germline.

PreventionGenetics, part of Exact Sciences
Classification: Likely benign for EGLN1-related condition. Last evaluated: 2020-02-06. Review status: no assertion criteria provided. Collection method: clinical testing. Allele origin: germline. Not counted in ClinVar's aggregate classification.
Comment: This variant is classified as likely benign based on ACMG/AMP sequence variant interpretation guidelines (Richards et al. 2015 PMID: 25741868, with internal and published modifications).